The following is an entry in ClinVar:

NM_002150.3(HPD):c.519-5C>T

Genes: HPD (4-hydroxyphenylpyruvate dioxygenase; minus strand), TIALD (transcript inducer of AURKA lysosomal degradation; plus strand). Cytogenetic location: 12q24.31.
Variant type: single nucleotide variant.
Coding change: c.519-5C>T on transcript NM_002150.3 (MANE Select); 5 bases into the intron before coding-DNA position 519, C replaced by T.
Molecular consequence: intron variant.
Genome position (GRCh38, 1-based): chr12:121,849,081, G>A on the plus strand (C>T on the coding strand, the complement: HPD is on the minus strand). VCF-style: chr12-121849081-G-A. GRCh37 (hg19) VCF-style: chr12-122286987-G-A.
Other names: c.402-5C>T (NM_001171993.2).
Identifiers: ClinVar variation 5040637 (VCV005040637.1).

ClinVar aggregate classification (germline): Uncertain significance (1 of 4 stars; one submission).

gnomAD v4.1: 3 of 1,610,844 alleles (0.00019%); highest among the groups gnomAD compares: Admixed American, 0.005%; no homozygotes.

Submission:

CeGaT Center for Human Genetics Tuebingen
Classification: Uncertain significance. Last evaluated: 2026-08-01. Review status: criteria provided, single submitter. Criteria: CeGaT Center For Human Genetics Tuebingen Variant Classification Criteria Version 2. Collection method: clinical testing. Allele origin: germline. Affected: yes. Observed: 1 variant allele.
Comment: HPD: PM2, BP4